The following is an entry in ClinVar:

ClinVar aggregate classification (germline): Likely benign (0 of 4 stars; one submission).

Conditions:
EDC3-related disorder. Also called: EDC3-related condition.

Allele frequency attached by ClinVar (database versions not stated): gnomAD 0.00003; gnomAD exomes 0.00003; TOPMed 0.00003; ExAC 0.00010.
gnomAD v4.1: 46 of 1,613,632 alleles (0.0029%); highest among the groups gnomAD compares: East Asian, 0.038%; no homozygotes.

Submission:

PreventionGenetics, part of Exact Sciences
Classification: Likely benign for EDC3-related condition. Last evaluated: 2019-04-25. Review status: no assertion criteria provided. Collection method: clinical testing. Allele origin: germline.
Comment: This variant is classified as likely benign based on ACMG/AMP sequence variant interpretation guidelines (Richards et al. 2015 PMID: 25741868, with internal and published modifications).

NM_025083.5(EDC3):c.180G>A (p.Thr60=)

Gene: EDC3 (enhancer of mRNA decapping 3; minus strand). Cytogenetic location: 15q24.1.
Variant type: single nucleotide variant.
Coding change: c.180G>A on transcript NM_025083.5 (MANE Select); coding-DNA position 180, G replaced by A.
Protein change: p.Thr60=; no amino-acid change (threonine 60 retained).
Molecular consequence: synonymous variant. On other transcripts: 5 prime UTR variant (1).
Genome position (GRCh38, 1-based): chr15:74,671,759, C>T on the plus strand (G>A on the coding strand, the complement: EDC3 is on the minus strand). VCF-style: chr15-74671759-C-T. GRCh37 (hg19) VCF-style: chr15-74964100-C-T.
Other names: c.180G>A, p.Thr60= (NM_001142443.3, NM_001142444.3, NM_001351378.2); c.-256G>A (NM_001351379.2).
Identifiers: ClinVar variation 3050496 (VCV003050496.2), dbSNP rs764338631, ClinGen allele CA7659139.